The following is an entry in ClinVar:

ClinVar aggregate classification (germline): Uncertain significance (1 of 4 stars; one submission).

Allele frequency attached by ClinVar (database versions not stated): TOPMed 0.00002; gnomAD 0.00005; ExAC 0.00020; gnomAD exomes 0.00020; 1000 Genomes Project 0.00060; 1000 Genomes Project 30x 0.00062.
gnomAD v4.1: 122 of 1,613,706 alleles (0.0076%); highest among the groups gnomAD compares: South Asian, 0.083%; no homozygotes.

Submission:

Labcorp Genetics (formerly Invitae), Labcorp
Classification: Uncertain significance. Last evaluated: 2022-09-27. Review status: criteria provided, single submitter. Criteria: Invitae Variant Classification Sherloc (09022015). Collection method: clinical testing. Allele origin: germline.
Comment: This sequence change replaces threonine, which is neutral and polar, with alanine, which is neutral and non-polar, at codon 2455 of the MYO18B protein (p.Thr2455Ala). This variant is present in population databases (rs554980710, gnomAD 0.1%). This variant has not been reported in the literature in individuals affected with MYO18B-related conditions. ClinVar contains an entry for this variant (Variation ID: 1433733). Algorithms developed to predict the effect of missense changes on protein structure and function output the following: SIFT: "Not Available"; PolyPhen-2: "Benign"; Align-GVGD: "Not Available". The alanine amino acid residue is found in multiple mammalian species, which suggests that this missense change does not adversely affect protein function. In summary, the available evidence is currently insufficient to determine the role of this variant in disease. Therefore, it has been classified as a Variant of Uncertain Significance.

NM_032608.7(MYO18B):c.7363A>G (p.Thr2455Ala)

Gene: MYO18B (myosin XVIIIB; plus strand). Cytogenetic location: 22q12.1.
Variant type: single nucleotide variant.
Coding change: c.7363A>G on transcript NM_032608.7 (MANE Select); coding-DNA position 7363, A replaced by G.
Protein change: p.Thr2455Ala; replaces threonine 2455 with alanine.
Molecular consequence: missense variant.
Genome position (GRCh38, 1-based): chr22:26,027,337, A>G. VCF-style: chr22-26027337-A-G. GRCh37 (hg19) VCF-style: chr22-26423303-A-G.
Other names: c.7366A>G, p.Thr2456Ala (NM_001318245.2); short protein forms T2456A, T2455A.
Identifiers: ClinVar variation 1433733 (VCV001433733.5), dbSNP rs554980710, ClinGen allele CA10161760.